The following is an entry in ClinVar:

NM_194250.2(ZNF804A):c.3459G>A (p.Pro1153=)

Gene: ZNF804A (zinc finger protein 804A; plus strand). Cytogenetic location: 2q32.1.
Variant type: single nucleotide variant.
Coding change: c.3459G>A on transcript NM_194250.2 (MANE Select); coding-DNA position 3459, G replaced by A.
Protein change: p.Pro1153=; no amino-acid change (proline 1153 retained).
Molecular consequence: synonymous variant.
Genome position (GRCh38, 1-based): chr2:184,938,855, G>A. VCF-style: chr2-184938855-G-A. GRCh37 (hg19) VCF-style: chr2-185803582-G-A.
Identifiers: ClinVar variation 3050083 (VCV003050083.2), dbSNP rs141499616, ClinGen allele CA2016355.

ClinVar aggregate classification (germline): Benign (0 of 4 stars; one submission).

Conditions:
ZNF804A-related disorder. Also called: ZNF804A-related condition.

Allele frequency attached by ClinVar (database versions not stated): gnomAD exomes 0.00030; gnomAD 0.00036; TOPMed 0.00043; ExAC 0.00046; ESP Exome Variant Server 0.00046.
gnomAD v4.1: 542 of 1,613,784 alleles (0.034%); highest among the groups gnomAD compares: Admixed American, 0.02%; 2 homozygotes.

Submission:

PreventionGenetics, part of Exact Sciences
Classification: Benign for ZNF804A-related condition. Last evaluated: 2019-07-10. Review status: no assertion criteria provided. Collection method: clinical testing. Allele origin: germline.
Comment: This variant is classified as benign based on ACMG/AMP sequence variant interpretation guidelines (Richards et al. 2015 PMID: 25741868, with internal and published modifications).